The following is an entry in ClinVar:

NM_001112726.3(CEP170B):c.1993T>C (p.Trp665Arg)

Gene: CEP170B (centrosomal protein 170B; plus strand). Cytogenetic location: 14q32.33.
Variant type: single nucleotide variant.
Coding change: c.1993T>C on transcript NM_001112726.3 (MANE Select); coding-DNA position 1993, T replaced by C.
Protein change: p.Trp665Arg; replaces tryptophan 665 with arginine.
Molecular consequence: missense variant.
Genome position (GRCh38, 1-based): chr14:104,886,088, T>C. VCF-style: chr14-104886088-T-C. GRCh37 (hg19) VCF-style: chr14-105352425-T-C.
Other names: c.1783T>C, p.Trp595Arg (NM_015005.3); short protein forms W595R, W665R.
Identifiers: ClinVar variation 5001195 (VCV005001195.1).

ClinVar aggregate classification (germline): Uncertain significance (1 of 4 stars; one submission).

Conditions:
CEP170B-related disorder. Also called: CEP170B-related condition.

Submission:

PreventionGenetics, part of Exact Sciences
Classification: Uncertain significance for CEP170B-related condition. Last evaluated: 2026-06-16. Review status: criteria provided, single submitter. Criteria: ACMG Guidelines, 2015. Collection method: clinical testing. Allele origin: germline.
Comment: The CEP170B c.1993T>C variant is predicted to result in the amino acid substitution p.Trp665Arg. To our knowledge, this variant has not been reported in the literature or in a large population database (gnomAD), indicating this variant is rare. At this time, the clinical significance of this variant is uncertain due to the absence of conclusive functional and genetic evidence.